The following is an entry in ClinVar:

ClinVar aggregate classification (germline): Benign/Likely benign. Review status: criteria provided, multiple submitters, no conflicts (2 of 4 stars). 5 submissions from 5 submitters: Benign (1); Likely benign (3). 1 of the submissions does not count toward it. Last evaluated 2026-01-26.

Conditions:
SPATA7-related disorder. Also called: SPATA7-related condition; SPATA7-related disorders. Identifiers: MedGen CN239422.
Leber congenital amaurosis 3 (LCA3). Also called: SPATA7-Related Retinitis Pigmentosa. Identifiers: MedGen C1858677, MONDO:0011415, OMIM 604232.

Allele frequency attached by ClinVar (database versions not stated): gnomAD exomes 0.00016 and 0.00040; ExAC 0.00051; 1000 Genomes Project 0.00180; 1000 Genomes Project 30x 0.00187; ESP Exome Variant Server 0.00193; gnomAD 0.00207 and 0.00223; TOPMed 0.00237.
gnomAD v4.1: 557 of 1,586,486 alleles (0.035%); highest among the groups gnomAD compares: African/African-American, 0.65%; 5 homozygotes.

Submissions (5):

Labcorp Genetics (formerly Invitae), Labcorp
Classification: Likely benign for Leber congenital amaurosis 3. Last evaluated: 2026-01-26. Review status: criteria provided, single submitter. Criteria: Invitae Variant Classification Sherloc (09022015). Collection method: clinical testing. Allele origin: germline.

Blueprint Genetics
Classification: Likely benign. Last evaluated: 2024-10-31. Review status: criteria provided, single submitter. Criteria: ACMG Guidelines, 2015. Collection method: clinical testing. Allele origin: germline.

Eurofins Ntd Llc (ga)
Classification: Benign. Last evaluated: 2014-05-27. Review status: criteria provided, single submitter. Criteria: EGL Classification Definitions 2015. Collection method: clinical testing. Allele origin: germline. Observed: 1 variant allele, 1 heterozygote.

Breakthrough Genomics
Classification: Likely benign. Review status: criteria provided, single submitter. Criteria: ACMG Guidelines, 2015. Collection method: not provided. Allele origin: germline. Inheritance: Autosomal recessive inheritance. Affected: yes.

PreventionGenetics, part of Exact Sciences
Classification: Likely benign for SPATA7-related condition. Last evaluated: 2019-06-03. Review status: no assertion criteria provided. Collection method: clinical testing. Allele origin: germline. Not counted in ClinVar's aggregate classification.
Comment: This variant is classified as likely benign based on ACMG/AMP sequence variant interpretation guidelines (Richards et al. 2015 PMID: 25741868, with internal and published modifications).

NM_018418.5(SPATA7):c.366A>T (p.Leu122Phe)

Gene: SPATA7 (spermatogenesis associated 7; plus strand). Cytogenetic location: 14q31.3.
Variant type: single nucleotide variant.
Coding change: c.366A>T on transcript NM_018418.5 (MANE Select); coding-DNA position 366, A replaced by T.
Protein change: p.Leu122Phe; replaces leucine 122 with phenylalanine.
Molecular consequence: missense variant.
Genome position (GRCh38, 1-based): chr14:88,416,838, A>T. VCF-style: chr14-88416838-A-T. GRCh37 (hg19) VCF-style: chr14-88883182-A-T.
Other names: c.270A>T, p.Leu90Phe (NM_001040428.4); short protein forms L122F, L90F.
Identifiers: ClinVar variation 197836 (VCV000197836.19), dbSNP rs150093878, ClinGen allele CA203116.
Genomic context (GRCh38, chr14:88,416,838, plus strand): 5'-AACTAAAACTGCAATGCGAGCCAATTATAAAAATAATTCCAAGTCACTTTTTAATACCTT[A>T]CAAAAGGTAAGATAGTATTTTTATTTTTTAAAAGCAAATGTTTCTAAGGTACTTCTTTAG-3'
Protein context (NP_060888.2, residues 112-132): KNNSKSLFNT[Leu122Phe]QKPSGEPQIE